The following is an entry in ClinVar:

NM_000202.8(IDS):c.428C>G (p.Ser143Cys)

Genes: IDS (iduronate 2-sulfatase; minus strand), LOC106050102 (IDS recombination region; plus strand). Cytogenetic location: Xq28.
Variant type: single nucleotide variant.
Coding change: c.428C>G on transcript NM_000202.8 (MANE Select); coding-DNA position 428, C replaced by G.
Protein change: p.Ser143Cys; replaces serine 143 with cysteine.
Molecular consequence: missense variant. On other transcripts: non-coding transcript variant (1).
Genome position (GRCh38, 1-based): chrX:149,501,028, G>C on the plus strand (C>G on the coding strand, the complement: IDS is on the minus strand). VCF-style: chrX-149501028-G-C. GRCh37 (hg19) VCF-style: chrX-148582559-G-C.
Other names: c.158C>G, p.Ser53Cys (NM_001166550.4); c.428C>G, p.Ser143Cys (NM_006123.5); short protein forms S143C, S53C.
Identifiers: ClinVar variation 4530716 (VCV004530716.2).

ClinVar aggregate classification (germline): Uncertain significance. Review status: criteria provided, multiple submitters, no conflicts (2 of 4 stars). 2 submissions from 2 submitters: Uncertain significance (2). Last evaluated 2025-07-02.

Conditions:
Mucopolysaccharidosis, MPS-II (MPS2). Also called: Attenuated MPS (subtype; formerly known as mild MPS II); Severe MPS II; I2S deficiency; MPS 2; Hunter Syndrome; IDURONATE 2-SULFATASE DEFICIENCY. Identifiers: Orphanet 580, Orphanet 79388, MedGen C0026705, MONDO:0010674, OMIM 309900.

Submissions (2):

Labcorp Genetics (formerly Invitae), Labcorp
Classification: Uncertain significance for Mucopolysaccharidosis, MPS-II. Last evaluated: 2025-07-02. Review status: criteria provided, single submitter. Criteria: Invitae Variant Classification Sherloc (09022015). Collection method: clinical testing. Allele origin: germline.
Comment: This sequence change replaces serine, which is neutral and polar, with cysteine, which is neutral and slightly polar, at codon 143 of the IDS protein (p.Ser143Cys). This variant is not present in population databases (gnomAD no frequency). This variant has not been reported in the literature in individuals affected with IDS-related conditions. Invitae Evidence Modeling of protein sequence and biophysical properties (such as structural, functional, and spatial information, amino acid conservation, physicochemical variation, residue mobility, and thermodynamic stability) indicates that this missense variant is not expected to disrupt IDS protein function with a negative predictive value of 80%. In summary, the available evidence is currently insufficient to determine the role of this variant in disease. Therefore, it has been classified as a Variant of Uncertain Significance.

GeneDx
Classification: Uncertain significance. Last evaluated: 2025-05-21. Review status: criteria provided, single submitter. Criteria: GeneDx Variant Classification Process June 2021. Collection method: clinical testing. Allele origin: germline. Affected: yes.
Comment: Not observed at significant frequency in large population cohorts (gnomAD); In silico analysis supports that this missense variant has a deleterious effect on protein structure/function; Has not been previously published as pathogenic or benign to our knowledge